The following is an entry in ClinVar:

NM_000638.4(VTN):c.1199C>T (p.Thr400Met)

Gene: VTN (vitronectin; minus strand). Cytogenetic location: 17q11.2.
Variant type: single nucleotide variant.
Coding change: c.1199C>T on transcript NM_000638.4 (MANE Select); coding-DNA position 1199, C replaced by T.
Protein change: p.Thr400Met; replaces threonine 400 with methionine.
Molecular consequence: missense variant.
Genome position (GRCh38, 1-based): chr17:28,367,840, G>A on the plus strand (C>T on the coding strand, the complement: VTN is on the minus strand). VCF-style: chr17-28367840-G-A. GRCh37 (hg19) VCF-style: chr17-26694861-G-A.
Other names: short protein forms T400M.
Identifiers: ClinVar variation 3059155 (VCV003059155.3), dbSNP rs704, ClinGen allele CA8457404.
Genomic context (GRCh38, chr17:28,367,840, plus strand): 5'-TAGTCATCATAGTTGTTGGCTCCCAAGTTGCTCTCCTCACTGGAGAACAAGGACAGCCAC[G>A]TGGCGCGGGATGGCCGGCGGGAGTTCTGGTTGCGGCCACGGCTGTGGCCTCGTTGTGAAC-3'
Protein context (NP_000629.3, residues 390-410): NQNSRRPSRA[Thr400Met]WLSLFSSEES

ClinVar aggregate classification (germline): Likely benign. Review status: criteria provided, single submitter (1 of 4 stars). 2 submissions from 2 submitters: Likely benign (1). 1 of the submissions does not count toward it. Last evaluated 2024-11-28.

Conditions:
VTN-related disorder. Also called: VTN-related condition.

Allele frequency attached by ClinVar (database versions not stated): gnomAD exomes 0.48617; ExAC 0.50821; ESP Exome Variant Server 0.50953; gnomAD 0.51487; TOPMed 0.53251; 1000 Genomes Project 0.55511; 1000 Genomes Project 30x 0.56465.
gnomAD v4.1: 789,794 of 1,613,858 alleles (49%); highest among the groups gnomAD compares: East Asian, 74%; 196,068 homozygotes.

Submissions (2):

Blueprint Genetics
Classification: Likely benign. Last evaluated: 2024-11-28. Review status: criteria provided, single submitter. Criteria: ACMG Guidelines, 2015. Collection method: clinical testing. Allele origin: germline.

PreventionGenetics, part of Exact Sciences
Classification: Benign for VTN-related condition. Last evaluated: 2019-10-30. Review status: no assertion criteria provided. Collection method: clinical testing. Allele origin: germline. Not counted in ClinVar's aggregate classification.
Comment: This variant is classified as benign based on ACMG/AMP sequence variant interpretation guidelines (Richards et al. 2015 PMID: 25741868, with internal and published modifications).